The following is an entry in ClinVar:

NM_017849.4(TMEM127):c.685C>A (p.Gln229Lys)

Gene: TMEM127 (transmembrane protein 127; minus strand). Cytogenetic location: 2q11.2.
Variant type: single nucleotide variant.
Coding change: c.685C>A on transcript NM_017849.4 (MANE Select); coding-DNA position 685, C replaced by A.
Protein change: p.Gln229Lys; replaces glutamine 229 with lysine.
Molecular consequence: missense variant.
Genome position (GRCh38, 1-based): chr2:96,253,840, G>T on the plus strand (C>A on the coding strand, the complement: TMEM127 is on the minus strand). VCF-style: chr2-96253840-G-T. GRCh37 (hg19) VCF-style: chr2-96919578-G-T.
Other names: c.685C>A, p.Gln229Lys (NM_001193304.3); c.433C>A, p.Gln145Lys (NM_001407282.1, NM_001407283.1); short protein forms Q145K, Q229K.
Identifiers: ClinVar variation 2415548 (VCV002415548.6), dbSNP rs2104282746, ClinGen allele CA347651122.

ClinVar aggregate classification (germline): Uncertain significance (1 of 4 stars; one submission).

Conditions:
Hereditary pheochromocytoma and paraganglioma. Also called: Hereditary paragangliomas and pheochromocytomas; Hereditary Paraganglioma-Pheochromocytoma Syndromes; Hereditary pheochromocytoma-paraganglioma. Identifiers: Orphanet 29072, MedGen C4274332, MONDO:0017366.

Submission:

Labcorp Genetics (formerly Invitae), Labcorp
Classification: Uncertain significance for Hereditary pheochromocytoma and paraganglioma. Last evaluated: 2023-10-22. Review status: criteria provided, single submitter. Criteria: Invitae Variant Classification Sherloc (09022015). Collection method: clinical testing. Allele origin: germline.
Comment: This sequence change replaces glutamine, which is neutral and polar, with lysine, which is basic and polar, at codon 229 of the TMEM127 protein (p.Gln229Lys). This variant is not present in population databases (gnomAD no frequency). This variant has not been reported in the literature in individuals affected with TMEM127-related conditions. ClinVar contains an entry for this variant (Variation ID: 2415548). An algorithm developed to predict the effect of missense changes on protein structure and function (PolyPhen-2) suggests that this variant is likely to be tolerated. In summary, the available evidence is currently insufficient to determine the role of this variant in disease. Therefore, it has been classified as a Variant of Uncertain Significance.